The following is an entry in ClinVar:

ClinVar aggregate classification (germline): Likely benign. Review status: criteria provided, multiple submitters, no conflicts (2 of 4 stars). 3 submissions from 3 submitters: Likely benign (2). 1 of the submissions does not count toward it. Last evaluated 2026-01-19.

Conditions:
KLB-related disorder. Also called: KLB-related condition.

Allele frequency attached by ClinVar (database versions not stated): gnomAD 0.00073 and 0.00076; 1000 Genomes Project 30x 0.00078; ExAC 0.00080; TOPMed 0.00080; gnomAD exomes 0.00109.
gnomAD v4.1: 2,126 of 1,610,964 alleles (0.13%); highest among the groups gnomAD compares: Non-Finnish European, 0.16%; no homozygotes.

Submissions (3):

Labcorp Genetics (formerly Invitae), Labcorp
Classification: Likely benign. Last evaluated: 2026-01-19. Review status: criteria provided, single submitter. Criteria: Invitae Variant Classification Sherloc (09022015). Collection method: clinical testing. Allele origin: germline.

Breakthrough Genomics
Classification: Likely benign. Review status: criteria provided, single submitter. Criteria: ACMG Guidelines, 2015. Collection method: not provided. Allele origin: germline. Inheritance: Unknown mechanism. Affected: yes.

PreventionGenetics, part of Exact Sciences
Classification: Likely benign for KLB-related condition. Last evaluated: 2019-08-01. Review status: no assertion criteria provided. Collection method: clinical testing. Allele origin: germline. Not counted in ClinVar's aggregate classification.
Comment: This variant is classified as likely benign based on ACMG/AMP sequence variant interpretation guidelines (Richards et al. 2015 PMID: 25741868, with internal and published modifications).

NM_175737.4(KLB):c.1956C>G (p.Pro652=)

Gene: KLB (klotho beta; plus strand). Cytogenetic location: 4p14.
Variant type: single nucleotide variant.
Coding change: c.1956C>G on transcript NM_175737.4 (MANE Select); coding-DNA position 1956, C replaced by G.
Protein change: p.Pro652=; no amino-acid change (proline 652 retained).
Molecular consequence: synonymous variant.
Genome position (GRCh38, 1-based): chr4:39,446,682, C>G. VCF-style: chr4-39446682-C-G. GRCh37 (hg19) VCF-style: chr4-39448302-C-G.
Identifiers: ClinVar variation 709177 (VCV000709177.12), dbSNP rs147916209, ClinGen allele CA2893918.